The following is an entry in ClinVar:

NM_001267550.2(TTN):c.48022C>A (p.Arg16008=)

Genes: TTN (titin; minus strand), TTN-AS1 (TTN antisense RNA 1; plus strand). Cytogenetic location: 2q31.2.
Variant type: single nucleotide variant.
Coding change: c.48022C>A on transcript NM_001267550.2 (MANE Select); coding-DNA position 48022, C replaced by A.
Protein change: p.Arg16008=; no amino-acid change (arginine 16008 retained).
Molecular consequence: synonymous variant.
Genome position (GRCh38, 1-based): chr2:178,616,867, G>T on the plus strand (C>A on the coding strand, the complement: TTN is on the minus strand). VCF-style: chr2-178616867-G-T. GRCh37 (hg19) VCF-style: chr2-179481594-G-T.
Other names: c.43099C>A, p.Arg14367= (NM_001256850.1); c.20827C>A, p.Arg6943= (NM_003319.4); c.40318C>A, p.Arg13440= (NM_133378.4); c.21202C>A, p.Arg7068= (NM_133432.3); c.21403C>A, p.Arg7135= (NM_133437.4).
Identifiers: ClinVar variation 1785576 (VCV001785576.38), dbSNP rs374233884, ClinGen allele CA1994930.
Genomic context (GRCh38, chr2:178,616,867, plus strand): 5'-AACGTTCACTTGGAGAAATGACAAGTTCGGCATAGGCAGACAAGGTCTTCATTTTCACCC[G>T]GTCCCCTGTTTCTAGTACTTTATCTCCAAAACACCAGGTTGCAGTTGGCCTTGGATAGCC-3'
Protein context (NP_001254479.2, residues 15998-16018): FGDKVLETGD[Arg16008=]VKMKTLSAYA

ClinVar aggregate classification (germline): Likely benign. Review status: criteria provided, multiple submitters, no conflicts (2 of 4 stars). 3 submissions from 3 submitters: Likely benign (3). Last evaluated 2025-09-01.

Conditions:
Autosomal recessive limb-girdle muscular dystrophy type 2J (LGMDR10). Also called: MUSCULAR DYSTROPHY, LIMB-GIRDLE, AUTOSOMAL RECESSIVE 10; Limb-girdle muscular dystrophy, type 2J. Identifiers: Orphanet 140922, MedGen C1837342, MONDO:0012127, OMIM 608807.
Dilated cardiomyopathy 1G (CMD1G). Identifiers: Orphanet 154, MedGen C1858763, MONDO:0011400, OMIM 604145.
Cardiovascular phenotype. Identifiers: MedGen CN230736.

Allele frequency attached by ClinVar (database versions not stated): ESP Exome Variant Server 0.00008.
gnomAD v4.1: 3 of 1,612,540 alleles (0.00019%); no homozygotes.

Submissions (3):

Labcorp Genetics (formerly Invitae), Labcorp
Classification: Likely benign for Dilated cardiomyopathy 1G; Autosomal recessive limb-girdle muscular dystrophy type 2J. Last evaluated: 2025-09-01. Review status: criteria provided, single submitter. Criteria: Invitae Variant Classification Sherloc (09022015). Collection method: clinical testing. Allele origin: germline.

CeGaT Center for Human Genetics Tuebingen
Classification: Likely benign. Last evaluated: 2023-04-01. Review status: criteria provided, single submitter. Criteria: CeGaT Center For Human Genetics Tuebingen Variant Classification Criteria Version 2. Collection method: clinical testing. Allele origin: germline. Affected: yes. Observed: 2 variant alleles.
Comment: TTN: BP4

Ambry Genetics
Classification: Likely benign for Cardiovascular phenotype. Last evaluated: 2019-07-01. Review status: criteria provided, single submitter. Criteria: Ambry Variant Classification Scheme 2023. Collection method: clinical testing. Allele origin: germline.